The following is an entry in ClinVar:

ClinVar aggregate classification (germline): Likely pathogenic (1 of 4 stars; one submission).

Submission:

GeneDx
Classification: Likely pathogenic. Last evaluated: 2024-07-08. Review status: criteria provided, single submitter. Criteria: GeneDx Variant Classification Process June 2021. Collection method: clinical testing. Allele origin: germline. Affected: yes.
Comment: Not observed at significant frequency in large population cohorts (gnomAD); In silico analysis supports that this missense variant has a deleterious effect on protein structure/function; Has not been previously published as pathogenic or benign to our knowledge; This variant is associated with the following publications: (PMID: 27839871)

NM_001134407.3(GRIN2A):c.2264T>A (p.Ile755Asn)

Gene: GRIN2A (glutamate ionotropic receptor NMDA type subunit 2A; minus strand). Cytogenetic location: 16p13.2.
Variant type: single nucleotide variant.
Coding change: c.2264T>A on transcript NM_001134407.3 (MANE Select); coding-DNA position 2264, T replaced by A.
Protein change: p.Ile755Asn; replaces isoleucine 755 with asparagine.
Molecular consequence: missense variant.
Genome position (GRCh38, 1-based): chr16:9,798,369, A>T on the plus strand (T>A on the coding strand, the complement: GRIN2A is on the minus strand). VCF-style: chr16-9798369-A-T. GRCh37 (hg19) VCF-style: chr16-9892226-A-T.
Other names: c.2264T>A, p.Ile755Asn (NM_000833.5, NM_001134408.2); short protein forms I755N.
Identifiers: ClinVar variation 3572542 (VCV003572542.1).